The following is an entry in ClinVar:

ClinVar aggregate classification (germline): Uncertain significance. Review status: criteria provided, multiple submitters, no conflicts (2 of 4 stars). 4 submissions from 4 submitters: Uncertain significance (4). Last evaluated 2023-12-28.

Conditions:
Inborn genetic diseases. Identifiers: MedGen C0950123, MeSH D030342.
Congenital myasthenic syndrome 8. Also called: Myasthenic syndrome, congenital, 8, with pre- and postsynaptic defects; MYASTHENIC SYNDROME, CONGENITAL, DUE TO AGRIN DEFICIENCY. Identifiers: Orphanet 590, MedGen C3808739, MONDO:0014052, OMIM 615120.

Allele frequency attached by ClinVar (database versions not stated): 1000 Genomes Project 0.00020; TOPMed 0.00006; gnomAD 0.00008; ESP Exome Variant Server 0.00008; 1000 Genomes Project 30x 0.00016.
gnomAD v4.1: 64 of 1,602,004 alleles (0.004%); highest among the groups gnomAD compares: Middle Eastern, 0.017%; 1 homozygote.

Submissions (4):

Revvity Omics, Revvity
Classification: Uncertain significance for Congenital myasthenic syndrome 8. Last evaluated: 2023-12-28. Review status: criteria provided, single submitter. Criteria: ACMG Guidelines, 2015. Collection method: clinical testing. Allele origin: germline.

Labcorp Genetics (formerly Invitae), Labcorp
Classification: Uncertain significance for Congenital myasthenic syndrome 8. Last evaluated: 2023-11-27. Review status: criteria provided, single submitter. Criteria: Invitae Variant Classification Sherloc (09022015). Collection method: clinical testing. Allele origin: germline.
Comment: This sequence change replaces alanine, which is neutral and non-polar, with threonine, which is neutral and polar, at codon 1012 of the AGRN protein (p.Ala1012Thr). This variant is present in population databases (rs144781935, gnomAD 0.02%). This variant has not been reported in the literature in individuals affected with AGRN-related conditions. ClinVar contains an entry for this variant (Variation ID: 570635). Algorithms developed to predict the effect of missense changes on protein structure and function output the following: SIFT: "Not Available"; PolyPhen-2: "Possibly Damaging"; Align-GVGD: "Not Available". The threonine amino acid residue is found in multiple mammalian species, which suggests that this missense change does not adversely affect protein function. In summary, the available evidence is currently insufficient to determine the role of this variant in disease. Therefore, it has been classified as a Variant of Uncertain Significance.

Ambry Genetics
Classification: Uncertain significance for Inborn genetic diseases. Last evaluated: 2021-09-01. Review status: criteria provided, single submitter. Criteria: Ambry Variant Classification Scheme 2023. Collection method: clinical testing. Allele origin: germline.

Baylor Genetics
Classification: Uncertain significance for Congenital myasthenic syndrome 8. Last evaluated: 2019-08-08. Review status: criteria provided, single submitter. Criteria: ACMG Guidelines, 2015. Collection method: clinical testing. Allele origin: unknown. Affected: yes.
Comment: This variant was determined to be of uncertain significance according to ACMG Guidelines, 2015 [PMID:25741868].

NM_198576.4(AGRN):c.3034G>A (p.Ala1012Thr)

Gene: AGRN (agrin; plus strand). Cytogenetic location: 1p36.33.
Variant type: single nucleotide variant.
Coding change: c.3034G>A on transcript NM_198576.4 (MANE Select); coding-DNA position 3034, G replaced by A.
Protein change: p.Ala1012Thr; replaces alanine 1012 with threonine.
Molecular consequence: missense variant.
Genome position (GRCh38, 1-based): chr1:1,046,519, G>A. VCF-style: chr1-1046519-G-A. GRCh37 (hg19) VCF-style: chr1-981899-G-A.
Other names: c.3034G>A, p.Ala1012Thr (NM_001305275.2); c.2719G>A, p.Ala907Thr (NM_001364727.2); short protein forms A1012T, A907T.
Identifiers: ClinVar variation 570635 (VCV000570635.10), dbSNP rs144781935, ClinGen allele CA508922.